The following is an entry in ClinVar:

ClinVar aggregate classification (germline): Likely pathogenic (1 of 4 stars; one submission).

Submission:

GeneDx
Classification: Likely pathogenic. Last evaluated: 2026-08-06. Review status: criteria provided, single submitter. Criteria: GeneDx Variant Classification Process June 2021. Collection method: clinical testing. Allele origin: germline.
Comment: Canonical splice site variant predicted to result in an in-frame loss of the adjacent exon in a gene for which loss of function is a known mechanism of disease; Not observed at significant frequency in large population cohorts (gnomAD); Has not been previously published as pathogenic or benign to our knowledge

NM_005742.4(PDIA6):c.831_840+13del

Gene: PDIA6 (protein disulfide isomerase family A member 6; minus strand). Cytogenetic location: 2p25.1.
Variant type: Deletion.
Coding change: c.831_840+13del on transcript NM_005742.4 (MANE Select); coding-DNA position 831 through 13 bases into the intron after coding-DNA position 840, 23 bases deleted (GCTGCTTGAGGTAAACCACTTCA).
Molecular consequence: splice donor variant.
Genome position (GRCh38, 1-based): chr2:10,789,736-10,789,758, TGAAGTGGTTTACCTCAAGCAGC deleted on the plus strand (GCTGCTTGAGGTAAACCACTTCA on the coding strand, the reverse complement: PDIA6 is on the minus strand); deleting any 23 consecutive bases within chr2:10,789,736-10,789,759 gives the same sequence; the c. name uses the placement nearest the transcript's 3' end. VCF-style (leftmost placement, unchanged base first): chr2-10789735-TTGAAGTGGTTTACCTCAAGCAGC-T. GRCh37 (hg19) VCF-style: chr2-10929861-TTGAAGTGGTTTACCTCAAGCAGC-T.
Other names: c.975_984+13del (NM_001282705.2); c.846_855+13del (NM_001282706.2); c.987_996+13del (NM_001282704.2); c.822_831+13del (NM_001282707.2).
Identifiers: ClinVar variation 3360018 (VCV003360018.2).